The following is an entry in ClinVar:

NM_001193489.2(SECISBP2L):c.2460T>C (p.Asp820=)

Gene: SECISBP2L (SECIS binding protein 2 like; minus strand). Cytogenetic location: 15q21.1.
Variant type: single nucleotide variant.
Coding change: c.2460T>C on transcript NM_001193489.2 (MANE Select); coding-DNA position 2460, T replaced by C.
Protein change: p.Asp820=; no amino-acid change (aspartic acid 820 retained).
Molecular consequence: synonymous variant.
Genome position (GRCh38, 1-based): chr15:48,996,530, A>G on the plus strand (T>C on the coding strand, the complement: SECISBP2L is on the minus strand). VCF-style: chr15-48996530-A-G. GRCh37 (hg19) VCF-style: chr15-49288727-A-G.
Other names: c.2325T>C, p.Asp775= (NM_014701.4).
Identifiers: ClinVar variation 708329 (VCV000708329.12), dbSNP rs150175110, ClinGen allele CA7550151.
Genomic context (GRCh38, chr15:48,996,530, plus strand): 5'-TACCTTCTTCACATTCTTTAAGGCTTCCTCAGCCTGCTCCTGTTCCATTGCTGCAACCAT[A>G]TCTTTATATGCTTTCCTGGCCTCCTCAGTGAGTTCTACTAATTTATTAAACAGGCTCTGA-3'
Protein context (NP_001180418.1, residues 810-830): LTEEARKAYK[Asp820=]MVAAMEQEQA

ClinVar aggregate classification (germline): Benign/Likely benign. Review status: criteria provided, multiple submitters, no conflicts (2 of 4 stars). 3 submissions from 3 submitters: Benign (2); Likely benign (1). Last evaluated 2025-07-01.

Allele frequency attached by ClinVar (database versions not stated): 1000 Genomes Project 30x 0.00094; 1000 Genomes Project 0.00100; gnomAD 0.00126 and 0.00154; gnomAD exomes 0.00137 and 0.00192; ExAC 0.00148; TOPMed 0.00165; ESP Exome Variant Server 0.00200.
gnomAD v4.1: 3,040 of 1,614,122 alleles (0.19%); highest among the groups gnomAD compares: Non-Finnish European, 0.22%; 5 homozygotes.

Submissions (3):

CeGaT Center for Human Genetics Tuebingen
Classification: Likely benign. Last evaluated: 2025-07-01. Review status: criteria provided, single submitter. Criteria: CeGaT Center For Human Genetics Tuebingen Variant Classification Criteria Version 2. Collection method: clinical testing. Allele origin: germline. Affected: yes. Observed: 1 variant allele.
Comment: SECISBP2L: BP4, BP7

Labcorp Genetics (formerly Invitae), Labcorp
Classification: Benign. Last evaluated: 2018-05-21. Review status: criteria provided, single submitter. Criteria: Invitae Variant Classification Sherloc (09022015). Collection method: clinical testing. Allele origin: germline.

Breakthrough Genomics
Classification: Benign. Review status: criteria provided, single submitter. Criteria: ACMG Guidelines, 2015. Collection method: not provided. Allele origin: germline. Inheritance: Unknown mechanism. Affected: yes.